The following is an entry in ClinVar:

ClinVar aggregate classification (germline): Likely benign (1 of 4 stars; one submission).

Submission:

CeGaT Center for Human Genetics Tuebingen
Classification: Likely benign. Last evaluated: 2025-12-01. Review status: criteria provided, single submitter. Criteria: CeGaT Center For Human Genetics Tuebingen Variant Classification Criteria Version 2. Collection method: clinical testing. Allele origin: germline. Affected: yes. Observed: 1 variant allele.
Comment: FAM20C: PM2:Supporting, BP4, BP7

NM_020223.4(FAM20C):c.408C>T (p.His136=)

Gene: FAM20C (FAM20C golgi associated secretory pathway kinase; plus strand). Cytogenetic location: 7p22.3.
Variant type: single nucleotide variant.
Coding change: c.408C>T on transcript NM_020223.4 (MANE Select); coding-DNA position 408, C replaced by T.
Protein change: p.His136=; no amino-acid change (histidine 136 retained).
Molecular consequence: synonymous variant.
Genome position (GRCh38, 1-based): chr7:193,607, C>T. VCF-style: chr7-193607-C-T. GRCh37 (hg19) VCF-style: chr7-193607-C-T.
Identifiers: ClinVar variation 4681406 (VCV004681406.5).
Genomic context (GRCh38, chr7:193,607, plus strand): 5'-GGCCGAGCGCGCCTTGCGGGGGCGGGATCCCGGCGCCCTAAGACCCCACGACCCCGCGCA[C>T]CGGCCGCTGCTGCGAGACCCCGGCCCGCGTCGGTCCGAGTCGCCCCCCGGCCCCGGCGGA-3'
Protein context (NP_064608.2, residues 126-146): PGALRPHDPA[His136=]RPLLRDPGPR